The following is an entry in ClinVar:

NM_001385012.1(NBEA):c.41C>T (p.Pro14Leu)

Gene: NBEA (neurobeachin; plus strand). Cytogenetic location: 13q13.3.
Variant type: single nucleotide variant.
Coding change: c.41C>T on transcript NM_001385012.1 (MANE Select); coding-DNA position 41, C replaced by T.
Protein change: p.Pro14Leu; replaces proline 14 with leucine.
Molecular consequence: missense variant.
Genome position (GRCh38, 1-based): chr13:34,942,861, C>T. VCF-style: chr13-34942861-C-T. GRCh37 (hg19) VCF-style: chr13-35516998-C-T.
Other names: c.41C>T, p.Pro14Leu (NM_001379245.1, NM_015678.5); short protein forms P14L.
Identifiers: ClinVar variation 3031215 (VCV003031215.2), dbSNP rs2500552619, ClinGen allele CA387831683.
Genomic context (GRCh38, chr13:34,942,861, plus strand): 5'-TCTCCTCAGGAGGGGGGCCAATGGCTAGCGAGAAGCCGGGCCCGGGCCCGGGGCTCGAGC[C>T]TCAGCCCGTGGGGCTCATTGCCGTCGGGGCCGCTGGCGGAGGCGGCGGGGGCAGCGGTGG-3'
Protein context (NP_001371941.1, residues 4-24): EKPGPGPGLE[Pro14Leu]QPVGLIAVGA

ClinVar aggregate classification (germline): Uncertain significance (0 of 4 stars; one submission).

Conditions:
NBEA-related disorder. Also called: NBEA-related condition.

Submission:

PreventionGenetics, part of Exact Sciences
Classification: Uncertain significance for NBEA-related condition. Last evaluated: 2023-11-15. Review status: no assertion criteria provided. Collection method: clinical testing. Allele origin: germline.
Comment: The NBEA c.41C>T variant is predicted to result in the amino acid substitution p.Pro14Leu. To our knowledge, this variant has not been reported in the literature or in a large population database, indicating this variant is rare. At this time, the clinical significance of this variant is uncertain due to the absence of conclusive functional and genetic evidence.